The following is an entry in ClinVar:

NM_020778.5(ALPK3):c.3196C>G (p.Pro1066Ala)

Gene: ALPK3 (alpha kinase 3; plus strand). Cytogenetic location: 15q25.3.
Variant type: single nucleotide variant.
Coding change: c.3196C>G on transcript NM_020778.5 (MANE Select); coding-DNA position 3196, C replaced by G.
Protein change: p.Pro1066Ala; replaces proline 1066 with alanine.
Molecular consequence: missense variant.
Genome position (GRCh38, 1-based): chr15:84,857,934, C>G. VCF-style: chr15-84857934-C-G. GRCh37 (hg19) VCF-style: chr15-85401165-C-G.
Other names: c.3802C>G (NM_020778.4); short protein forms P1066A.
Identifiers: ClinVar variation 1470098 (VCV001470098.9), dbSNP rs139722212, ClinGen allele CA7709576.

ClinVar aggregate classification (germline): Uncertain significance. Review status: criteria provided, multiple submitters, no conflicts (2 of 4 stars). 2 submissions from 2 submitters: Uncertain significance (2). Last evaluated 2026-09-12.

Conditions:
Cardiovascular phenotype. Identifiers: MedGen CN230736.

Allele frequency attached by ClinVar (database versions not stated): gnomAD 0.00001.
gnomAD v4.1: 3 of 1,609,630 alleles (0.00019%); highest among the groups gnomAD compares: Admixed American, 0.0051%; no homozygotes.

Submissions (2):

Ambry Genetics
Classification: Uncertain significance for Cardiovascular phenotype. Last evaluated: 2026-09-12. Review status: criteria provided, single submitter. Criteria: Ambry Variant Classification Scheme 2023. Collection method: clinical testing. Allele origin: germline.
Comment: The p.P1268A variant (also known as c.3802C>G), located in coding exon 6 of the ALPK3 gene, results from a C to G substitution at nucleotide position 3802. The proline at codon 1268 is replaced by alanine, an amino acid with highly similar properties. This amino acid position is conserved. In addition, this alteration is predicted to be tolerated by in silico analysis. Based on the available evidence, the clinical significance of this variant remains unclear.

Labcorp Genetics (formerly Invitae), Labcorp
Classification: Uncertain significance. Last evaluated: 2024-08-28. Review status: criteria provided, single submitter. Criteria: Invitae Variant Classification Sherloc (09022015). Collection method: clinical testing. Allele origin: germline.
Comment: This sequence change replaces proline, which is neutral and non-polar, with alanine, which is neutral and non-polar, at codon 1268 of the ALPK3 protein (p.Pro1268Ala). This variant is present in population databases (rs139722212, gnomAD 0.006%). This missense change has been observed in individual(s) with clinical features of ALPK3-related conditions (internal data). ClinVar contains an entry for this variant (Variation ID: 1470098). An algorithm developed to predict the effect of missense changes on protein structure and function (PolyPhen-2) suggests that this variant is likely to be tolerated. In summary, the available evidence is currently insufficient to determine the role of this variant in disease. Therefore, it has been classified as a Variant of Uncertain Significance.